The following is an entry in ClinVar:

ClinVar aggregate classification (germline): Pathogenic. Review status: reviewed by expert panel (3 of 4 stars). 7 submissions from 7 submitters: Pathogenic (1). 6 of the submissions do not count toward it. Last evaluated 2025-07-08.

Conditions:
PTPN11-related disorder. Also called: PTPN11-Related Disorders.
RASopathy. Also called: rasopathies; Noonan spectrum disorder. Identifiers: Orphanet 536391, MedGen C5555857, MONDO:0021060.
Noonan syndrome (NS). Also called: Noonan's syndrome. Identifiers: Orphanet 648, MedGen C0028326, MeSH D009634, MONDO:0018997. Disease mechanism: gain of function.
Noonan syndrome 1 (NS1). Also called: PTPN11-Related Noonan Syndrome; FEMALE PSEUDO-TURNER SYNDROME; TURNER PHENOTYPE WITH NORMAL KARYOTYPE. Identifiers: Orphanet 648, MedGen C4551602, MONDO:0008104, OMIM 163950. Disease mechanism: gain of function.

Allele frequency attached by ClinVar (database versions not stated): gnomAD exomes below 0.00001.
gnomAD v4.1: 2 of 1,611,580 alleles (0.00012%); highest among the groups gnomAD compares: Non-Finnish European, 0.00017%; no homozygotes.

Submissions (7):

ClinGen RASopathy Variant Curation Expert Panel
Classification: Pathogenic for RASopathy. Last evaluated: 2025-07-08. Review status: reviewed by expert panel. Criteria: ClinGen RASopathy ACMG Specifications PTPN11 V2.3.0. Collection method: curation. Allele origin: germline. Inheritance: Autosomal dominant inheritance.
Comment: The c.155C>T (NM_002834.5(PTPN11):c.155C>T (p.Thr52Ile)) variant in PTPN11 is a missense variant predicted to cause substitution of threonine by isoleucine at amino acid 52 (p.Thr52Ile). This variant is absent from gnomAD v2.1.1 (PM2_supporting). The computational predictor REVEL gives a score of 0.912, which is above the threshold of 0.7, evidence that correlates with impact to PTPN11 function (PP3). The variant is located in the PTPN11 gene, which has been defined by the ClinGen RASopathy Expert Panel as a gene with a low rate of benign missense variants and pathogenic missense variants are a common mechanism of disease (PP2; PMID: 29493581). This variant has been reported in 11 probands from 9 families with features of Noonan Syndrome (PS4, 8.0 pts.; PMIDs: 22465605, 25804457, 32059087; GeneDx, Partners Laboratory for Molecular Medicine, & Service de Génétique Moléculaire (Hélène Cave) internal data: ClinVar SCV000057357, SCV000061283, & SCV001438499). This variant has been identified as a de novo occurrence with confirmed parental relationships in 1 individual with Noonan Syndrome (PS2, 2.0 pts.; Service de Génétique Moléculaire (Hélène Cave) internal data: SCV001438499). In summary, this variant meets the criteria to be classified as pathogenic for autosomal dominant RASopathy based on the ACMG/AMP criteria applied, as specified by the ClinGen RASopathy VCEP: (PM2_supporting, PP3, PP2, PS4, PS2. (Specification Version 2.3.0, 07/08/25).

GeneDx
Classification: Pathogenic. Last evaluated: 2025-11-13. Review status: criteria provided, single submitter. Criteria: GeneDx Variant Classification Process June 2021. Collection method: clinical testing. Allele origin: germline. Affected: yes. Not counted in ClinVar's aggregate classification.
Comment: Not observed at significant frequency in large population cohorts (gnomAD); Missense variants in this gene are a common cause of disease and they are underrepresented in the general population; In silico analysis supports that this missense variant has a deleterious effect on protein structure/function; This variant is associated with the following publications: (PMID: 31366893, 29493581, Bujo2023[CaseReport], 37600658, 22465605, 25804457, 38702915, 36349709, 37568403, 32059087)

PreventionGenetics, part of Exact Sciences
Classification: Pathogenic for PTPN11-related condition. Last evaluated: 2025-11-07. Review status: criteria provided, single submitter. Criteria: ACMG Guidelines, 2015. Collection method: clinical testing. Allele origin: germline. Not counted in ClinVar's aggregate classification.
Comment: The PTPN11 c.155C>T variant is predicted to result in the amino acid substitution p.Thr52Ile. This variant was reported in at least three unrelated individuals with Noonan syndrome (Ezquieta et al. 2012. PubMed ID: 22465605; Gulec et al. 2015. PubMed ID: 25804457; Lazzaro et al. 2020. PubMed ID: 32059087). This variant has not been reported in a large population database (gnomAD), indicating this variant is rare. This variant is interpreted as pathogenic in ClinVar by the ClinGen RASopathy Variant Curation Expert Panel (Variation ID: 40484). This variant is interpreted as pathogenic.

Labcorp Genetics (formerly Invitae), Labcorp
Classification: Likely pathogenic for RASopathy. Last evaluated: 2025-04-30. Review status: criteria provided, single submitter. Criteria: Invitae Variant Classification Sherloc (09022015). Collection method: clinical testing. Allele origin: germline. Not counted in ClinVar's aggregate classification.
Comment: This sequence change replaces threonine, which is neutral and polar, with isoleucine, which is neutral and non-polar, at codon 52 of the PTPN11 protein (p.Thr52Ile). This variant is not present in population databases (gnomAD no frequency). This missense change has been observed in individuals with clinical features of Noonan syndrome (PMID: 22465605, 25804457, 37600658; internal data). ClinVar contains an entry for this variant (Variation ID: 40484). Invitae Evidence Modeling incorporating data from in vitro experimental studies (internal data) indicates that this missense variant is expected to disrupt PTPN11 function with a positive predictive value of 95%. In summary, the currently available evidence indicates that the variant is pathogenic, but additional data are needed to prove that conclusively. Therefore, this variant has been classified as Likely Pathogenic.

Institute for Medical Genetics and Human Genetics, Charité - Universitätsmedizin Berlin
Classification: Likely pathogenic for Noonan syndrome 1. Last evaluated: 2022-09-27. Review status: criteria provided, single submitter. Criteria: ACMG Guidelines, 2015. Collection method: clinical testing. Allele origin: germline. Inheritance: Autosomal dominant inheritance. Affected: yes. Observed: 1 heterozygote. Not counted in ClinVar's aggregate classification.

Laboratory for Molecular Medicine, Mass General Brigham Personalized Medicine
Classification: Likely pathogenic for Noonan syndrome. Last evaluated: 2016-02-11. Review status: criteria provided, single submitter. Criteria: LMM Criteria. Collection method: clinical testing. Allele origin: germline. Inheritance: Autosomal dominant inheritance. Observed: 2 variant alleles. Not counted in ClinVar's aggregate classification.
Comment: proposed classification - variant undergoing re-assessment, contact laboratory

Service de Génétique Moléculaire, Hôpital Robert Debré
Classification: Uncertain significance for Noonan syndrome. Review status: no assertion criteria provided. Collection method: clinical testing. Allele origin: unknown. Affected: yes. Not counted in ClinVar's aggregate classification.

Literature cited by the submitters: PubMed 22465605 (cited by Labcorp Genetics (formerly Invitae), Labcorp and Laboratory for Molecular Medicine, Mass General Brigham Personalized Medicine); PubMed 25804457 (cited by Labcorp Genetics (formerly Invitae), Labcorp); PubMed 37600658 (cited by Labcorp Genetics (formerly Invitae), Labcorp).

NM_002834.5(PTPN11):c.155C>T (p.Thr52Ile)

Gene: PTPN11 (protein tyrosine phosphatase non-receptor type 11; plus strand). Cytogenetic location: 12q24.13.
Variant type: single nucleotide variant.
Coding change: c.155C>T on transcript NM_002834.5 (MANE Select); coding-DNA position 155, C replaced by T.
Protein change: p.Thr52Ile; replaces threonine 52 with isoleucine.
Molecular consequence: missense variant.
Genome position (GRCh38, 1-based): chr12:112,450,335, C>T. VCF-style: chr12-112450335-C-T. GRCh37 (hg19) VCF-style: chr12-112888139-C-T.
Other names: p.T52I:ACC>ATC; NM_002834.4(PTPN11):c.155C>T; NM_002834.5(PTPN11):c.155C>T; c.155C>T, p.Thr52Ile (NM_001330437.2, NM_080601.3); c.152C>T, p.Thr51Ile (NM_001374625.1); short protein forms T52I, T51I.
Identifiers: ClinVar variation 40484 (VCV000040484.23), dbSNP rs397507503, ClinGen allele CA261555.